The following is an entry in ClinVar:

NM_012330.4(KAT6B):c.3632A>G (p.Asn1211Ser)

Gene: KAT6B (lysine acetyltransferase 6B; plus strand). Cytogenetic location: 10q22.2.
Variant type: single nucleotide variant.
Coding change: c.3632A>G on transcript NM_012330.4 (MANE Select); coding-DNA position 3632, A replaced by G.
Protein change: p.Asn1211Ser; replaces asparagine 1211 with serine.
Molecular consequence: missense variant.
Genome position (GRCh38, 1-based): chr10:75,025,217, A>G. VCF-style: chr10-75025217-A-G. GRCh37 (hg19) VCF-style: chr10-76784975-A-G.
Other names: c.3083A>G, p.Asn1028Ser (NM_001256468.2, NM_001370138.1); c.2756A>G, p.Asn919Ser (NM_001256469.2, NM_001370139.1, NM_001370140.1 and 2 more transcripts); c.2594A>G, p.Asn865Ser (NM_001370132.1); c.1943A>G, p.Asn648Ser (NM_001370133.1); c.1547A>G, p.Asn516Ser (NM_001370134.1); c.1289A>G, p.Asn430Ser (NM_001370135.1); c.3632A>G, p.Asn1211Ser (NM_001370136.1, NM_001370137.1); c.2567A>G, p.Asn856Ser (NM_001370143.1, NM_001370144.1); short protein forms N1028S, N1211S, N430S, N516S, N648S, N856S, N865S, N919S.
Identifiers: ClinVar variation 3629511 (VCV003629511.2).
Genomic context (GRCh38, chr10:75,025,217, plus strand): 5'-AAGCATTCCAGCATCAGCCTGGGAAGAAAAGACAAACAGAGGAAGAGGAAGGAAAAGACA[A>G]TCATTGCTTCAAGAATGCTGACCCTTGTAGAAGTAAGTAGAGGAATGATAAAAACCTTAC-3'
Protein context (NP_036462.2, residues 1201-1221): RQTEEEEGKD[Asn1211Ser]HCFKNADPCR

ClinVar aggregate classification (germline): Uncertain significance (1 of 4 stars; one submission).

gnomAD v4.1: 3 of 1,614,204 alleles (0.00019%); highest among the groups gnomAD compares: Non-Finnish European, 0.00025%; no homozygotes.

Submission:

Women's Health and Genetics/Laboratory Corporation of America, LabCorp
Classification: Uncertain significance. Last evaluated: 2024-11-27. Review status: criteria provided, single submitter. Criteria: LabCorp Variant Classification Summary - May 2015. Collection method: clinical testing. Allele origin: germline.
Comment: Variant summary: KAT6B c.3632A>G (p.Asn1211Ser) results in a conservative amino acid change in the encoded protein sequence. Four of five in-silico tools predict a benign effect of the variant on protein function. The variant allele was found at a frequency of 1.9e-06 in 1607230 control chromosomes in the gnomAD database (v4.1 dataset). The available data on variant occurrences in the general population are insufficient to allow any conclusion about variant significance. To our knowledge, no occurrence of c.3632A>G in individuals affected with KAT6B-Related Spectrum Disorders and no experimental evidence demonstrating its impact on protein function have been reported. No submitters have cited clinical-significance assessments for this variant to ClinVar. Based on the evidence outlined above, the variant was classified as uncertain significance.